The following is an entry in ClinVar:

NM_001909.5(CTSD):c.423C>G (p.His141Gln)

Gene: CTSD (cathepsin D; minus strand). Cytogenetic location: 11p15.5.
Variant type: single nucleotide variant.
Coding change: c.423C>G on transcript NM_001909.5 (MANE Select); coding-DNA position 423, C replaced by G.
Protein change: p.His141Gln; replaces histidine 141 with glutamine.
Molecular consequence: missense variant.
Genome position (GRCh38, 1-based): chr11:1,759,017, G>C on the plus strand (C>G on the coding strand, the complement: CTSD is on the minus strand). VCF-style: chr11-1759017-G-C. GRCh37 (hg19) VCF-style: chr11-1780247-G-C.
Other names: short protein forms H141Q.
Identifiers: ClinVar variation 1403858 (VCV001403858.3), dbSNP rs375323994, ClinGen allele CA5814181.

ClinVar aggregate classification (germline): Uncertain significance (1 of 4 stars; one submission).

Conditions:
Neuronal ceroid lipofuscinosis. Also called: Neuronal Ceroid Lipofuscinoses. Identifiers: Orphanet 216, Orphanet 79263, MedGen C0027877, MONDO:0016295. Disease mechanism: loss of function.

Allele frequency attached by ClinVar (database versions not stated): gnomAD exomes below 0.00001; TOPMed below 0.00001; ExAC 0.00001; gnomAD 0.00001; ESP Exome Variant Server 0.00008.
gnomAD v4.1: 3 of 1,614,008 alleles (0.00019%); highest among the groups gnomAD compares: Non-Finnish European, 0.00025%; no homozygotes.

Submission:

Labcorp Genetics (formerly Invitae), Labcorp
Classification: Uncertain significance for Neuronal ceroid lipofuscinosis. Last evaluated: 2021-11-30. Review status: criteria provided, single submitter. Criteria: Invitae Variant Classification Sherloc (09022015). Collection method: clinical testing. Allele origin: germline.
Comment: This sequence change replaces histidine, which is basic and polar, with glutamine, which is neutral and polar, at codon 141 of the CTSD protein (p.His141Gln). This variant is present in population databases (rs375323994, gnomAD 0.0009%). This variant has not been reported in the literature in individuals affected with CTSD-related conditions. Algorithms developed to predict the effect of missense changes on protein structure and function (SIFT, PolyPhen-2, Align-GVGD) all suggest that this variant is likely to be tolerated. Algorithms developed to predict the effect of sequence changes on RNA splicing suggest that this variant may create or strengthen a splice site. In summary, the available evidence is currently insufficient to determine the role of this variant in disease. Therefore, it has been classified as a Variant of Uncertain Significance.